The following is an entry in ClinVar:

NM_021913.5(AXL):c.1446-5C>G

Gene: AXL (AXL receptor tyrosine kinase; plus strand). Cytogenetic location: 19q13.2.
Variant type: single nucleotide variant.
Coding change: c.1446-5C>G on transcript NM_021913.5 (MANE Select); 5 bases into the intron before coding-DNA position 1446, C replaced by G.
Molecular consequence: intron variant.
Genome position (GRCh38, 1-based): chr19:41,243,611, C>G. VCF-style: chr19-41243611-C-G. GRCh37 (hg19) VCF-style: chr19-41749516-C-G.
Other names: c.1419-5C>G (NM_001699.6); c.642-5C>G (NM_001278599.2); c.1446-5C>G (NM_021913.4).
Identifiers: ClinVar variation 2141702 (VCV002141702.7), dbSNP rs373017958, ClinGen allele CA9458329.
Genomic context (GRCh38, chr19:41,243,611, plus strand): 5'-TGCTGGTTGAGTAGGGGGTTCCACATGGTTTTTCCCTGCCCTCACCTACTCCCCCTCCCC[C>G]CCAGAGAAGTGTTTGAACCAACAGTGGAAAGAGGTGAACTGGTAGTCAGGTACCGCGTGC-3'

ClinVar aggregate classification (germline): Conflicting classifications of pathogenicity. Review status: criteria provided, conflicting classifications (1 of 4 stars). 3 submissions from 3 submitters: Uncertain significance (1); Likely benign (1). 1 of the submissions does not count toward it. Last evaluated 2025-02-10.

Conditions:
AXL-related disorder. Also called: AXL-related condition.

Allele frequency attached by ClinVar (database versions not stated): ESP Exome Variant Server 0.00008.
gnomAD v4.1: 62 of 1,613,506 alleles (0.0038%); highest among the groups gnomAD compares: Middle Eastern, 0.033%; no homozygotes.

Submissions (3):

Women's Health and Genetics/Laboratory Corporation of America, LabCorp
Classification: Uncertain significance. Last evaluated: 2025-02-10. Review status: criteria provided, single submitter. Criteria: LabCorp Variant Classification Summary - May 2015. Collection method: clinical testing. Allele origin: germline.
Comment: Variant summary: AXL c.1446-5C>G alters a nucleotide located close to a canonical splice site and therefore could affect mRNA splicing, leading to a significantly altered protein sequence. Several computational tools predict a significant impact on normal splicing: Three predict the variant weakens a 3' acceptor site. One predict the variant no significant impact on splicing. However, these predictions have yet to be confirmed by functional studies. The variant allele was found at a frequency of 6.8e-05 in 251422 control chromosomes. This frequency is not significantly higher than estimated for a pathogenic variant in AXL causing Hypogonadotropic Hypogonadism 7 With Or Without Anosmia, allowing no conclusion about variant significance. To our knowledge, no occurrence of c.1446-5C>G in individuals affected with Hypogonadotropic Hypogonadism 7 With Or Without Anosmia and no experimental evidence demonstrating its impact on protein function have been reported. ClinVar contains an entry for this variant (Variation ID: 2141702). Based on the evidence outlined above, the variant was classified as uncertain significance.

Labcorp Genetics (formerly Invitae), Labcorp
Classification: Likely benign. Last evaluated: 2023-12-22. Review status: criteria provided, single submitter. Criteria: Invitae Variant Classification Sherloc (09022015). Collection method: clinical testing. Allele origin: germline.

PreventionGenetics, part of Exact Sciences
Classification: Likely benign for AXL-related condition. Last evaluated: 2019-08-13. Review status: no assertion criteria provided. Collection method: clinical testing. Allele origin: germline. Not counted in ClinVar's aggregate classification.
Comment: This variant is classified as likely benign based on ACMG/AMP sequence variant interpretation guidelines (Richards et al. 2015 PMID: 25741868, with internal and published modifications).